The following is an entry in ClinVar:

NM_000256.3(MYBPC3):c.3129C>G (p.Tyr1043Ter)

Gene: MYBPC3 (myosin binding protein C3; minus strand). Cytogenetic location: 11p11.2.
Variant type: single nucleotide variant.
Coding change: c.3129C>G on transcript NM_000256.3 (MANE Select); coding-DNA position 3129, C replaced by G.
Protein change: p.Tyr1043Ter; replaces tyrosine 1043 with a stop codon.
Molecular consequence: nonsense.
Genome position (GRCh38, 1-based): chr11:47,333,618, G>C on the plus strand (C>G on the coding strand, the complement: MYBPC3 is on the minus strand). VCF-style: chr11-47333618-G-C. GRCh37 (hg19) VCF-style: chr11-47355169-G-C.
Other names: short protein forms Y1043*.
Identifiers: ClinVar variation 1451679 (VCV001451679.7), dbSNP rs573821685, ClinGen allele CA380314971.

ClinVar aggregate classification (germline): Pathogenic. Review status: criteria provided, multiple submitters, no conflicts (2 of 4 stars). 2 submissions from 2 submitters: Pathogenic (2). Last evaluated 2023-08-08.

Conditions:
Hypertrophic cardiomyopathy. Also called: HYPERTROPHIC MYOCARDIOPATHY. Identifiers: Orphanet 217569, MedGen C0007194, MeSH D002312, MONDO:0005045, HP:0001639.
MYBPC3-related disorder. Also called: MYBPC3-related disorders; MYBPC3-related condition; MYBPC3-related disease.

gnomAD v4.1: 1 of 1,605,444 alleles (0.000062%); highest among the groups gnomAD compares: Non-Finnish European, 0.000085%; no homozygotes.

Submissions (2):

Blueprint Genetics
Classification: Pathogenic for MYBPC3-related disorders. Last evaluated: 2023-08-08. Review status: criteria provided, single submitter. Criteria: ACMG Guidelines, 2015. Collection method: clinical testing. Allele origin: germline. Affected: yes. Observed: 2 variant alleles.

Labcorp Genetics (formerly Invitae), Labcorp
Classification: Pathogenic for Hypertrophic cardiomyopathy. Last evaluated: 2022-08-24. Review status: criteria provided, single submitter. Criteria: Invitae Variant Classification Sherloc (09022015). Collection method: clinical testing. Allele origin: germline.
Comment: This variant is not present in population databases (gnomAD no frequency). This sequence change creates a premature translational stop signal (p.Tyr1043*) in the MYBPC3 gene. It is expected to result in an absent or disrupted protein product. Loss-of-function variants in MYBPC3 are known to be pathogenic (PMID: 19574547). This premature translational stop signal has been observed in individual(s) with hypertrophic cardiomyopathy (PMID: 27532257). For these reasons, this variant has been classified as Pathogenic. ClinVar contains an entry for this variant (Variation ID: 1451679).

Literature cited by the submitters: PubMed 19574547 (cited by Labcorp Genetics (formerly Invitae), Labcorp); PubMed 27532257 (cited by Labcorp Genetics (formerly Invitae), Labcorp).